The following is an entry in ClinVar:

ClinVar aggregate classification (germline): Conflicting classifications of pathogenicity. Review status: criteria provided, conflicting classifications (1 of 4 stars). 7 submissions from 7 submitters: Pathogenic (2); Likely pathogenic (2); Uncertain significance (3). Last evaluated 2025-05-15.

Conditions:
Cardiovascular phenotype. Identifiers: MedGen CN230736.
Cardiomyopathy (CMYO). Also called: Cardiomyopathies. Identifiers: Orphanet 167848, MedGen C0878544, MONDO:0004994, HP:0001638. Inheritance: Various modes of inheritance.
Hypertrophic cardiomyopathy 1 (CMH1). Also called: Familial hypertrophic cardiomyopathy 1; MYH7-Related Familial Hypertrophic Cardiomyopathy. Identifiers: MedGen C3495498, MONDO:0008647, OMIM 192600.
Hypertrophic cardiomyopathy. Also called: HYPERTROPHIC MYOCARDIOPATHY. Identifiers: Orphanet 217569, MedGen C0007194, MeSH D002312, MONDO:0005045, HP:0001639.

Submissions (7):

3billion
Classification: Pathogenic for Hypertrophic cardiomyopathy 1. Last evaluated: 2025-05-15. Review status: criteria provided, single submitter. Criteria: ACMG Guidelines, 2015. Collection method: clinical testing. Allele origin: germline. Affected: yes.
Comment: The variant is not observed in the gnomAD v4.1.0 dataset. Predicted Consequence/Location: Missense variant In silico tool predictions suggest damaging effect of the variant on gene or gene product [REVEL: 0.92 (>=0.6, sensitivity 0.68 and specificity 0.92); 3Cnet: 0.99 (> 0.75, sensitivity 0.96 and precision 0.92)]. The same nucleotide change resulting in the same amino acid change has been previously reported as pathogenic/likely pathogenic with strong evidence (ClinVar ID: VCV000164293 /PMID: 25611685). The variant has been observed in at least two similarly affected unrelated individuals (PMID: 25611685, 28771489). A different missense change at the same codon (p.Tyr1375His) has been reported to be associated with MYH7-related disorder (ClinVar ID: VCV000181242 /PMID: 27247418). Therefore, this variant is classified as Pathogenic according to the recommendation of ACMG/AMP guideline.

GeneDx
Classification: Uncertain significance. Last evaluated: 2024-10-10. Review status: criteria provided, single submitter. Criteria: GeneDx Variant Classification Process June 2021. Collection method: clinical testing. Allele origin: germline. Affected: yes.
Comment: Not observed at significant frequency in large population cohorts (gnomAD); In silico analysis supports that this missense variant has a deleterious effect on protein structure/function; This variant is associated with the following publications: (PMID: 27532257, 28408708, 28790153, 25611685, 31941943, 32894683, 28771489, 30297972, 36243179, 37652022, 39260623, 35929939)

Labcorp Genetics (formerly Invitae), Labcorp
Classification: Pathogenic for Hypertrophic cardiomyopathy. Last evaluated: 2024-02-23. Review status: criteria provided, single submitter. Criteria: Invitae Variant Classification Sherloc (09022015). Collection method: clinical testing. Allele origin: germline.
Comment: This sequence change replaces tyrosine, which is neutral and polar, with cysteine, which is neutral and slightly polar, at codon 1375 of the MYH7 protein (p.Tyr1375Cys). This variant is not present in population databases (gnomAD no frequency). This missense change has been observed in individuals with hypertrophic cardiomyopathy (PMID: 25611685, 27532257, 28790153, 32894683). ClinVar contains an entry for this variant (Variation ID: 164293). Advanced modeling of protein sequence and biophysical properties (such as structural, functional, and spatial information, amino acid conservation, physicochemical variation, residue mobility, and thermodynamic stability) performed at Invitae indicates that this missense variant is expected to disrupt MYH7 protein function with a positive predictive value of 95%. This variant disrupts the p.Tyr1375 amino acid residue in MYH7. Other variant(s) that disrupt this residue have been determined to be pathogenic (PMID: 27247418, 33407484). This suggests that this residue is clinically significant, and that variants that disrupt this residue are likely to be disease-causing. For these reasons, this variant has been classified as Pathogenic.

Ambry Genetics
Classification: Uncertain significance for Cardiovascular phenotype. Last evaluated: 2024-01-10. Review status: criteria provided, single submitter. Criteria: Ambry Variant Classification Scheme 2023. Collection method: clinical testing. Allele origin: germline.
Comment: The p.Y1375C variant (also known as c.4124A>G), located in coding exon 28 of the MYH7 gene, results from an A to G substitution at nucleotide position 4124. The tyrosine at codon 1375 is replaced by cysteine, an amino acid with highly dissimilar properties. This alteration has been reported in association with hypertrophic cardiomyopathy (HCM) (Alfares AA et al. Genet Med, 2015 Nov;17:880-8; Ingles J et al. Circ Cardiovasc Genet, 2017 Apr;10:; Burns C et al. Circ Cardiovasc Genet, 2017 Aug;10:; Walsh R et al. Genet Med, 2017 Feb;19:192-203; Ho CY et al. Circulation, 2018 Oct;138:1387-1398; Mademont-Soler I et al. PLoS One, 2017 Aug;12:e0181465; Luo Q et al. Sci Rep, 2020 Jan;10:349; Mattivi CL et al. Circ Genom Precis Med, 2020 Oct;13:453-459). This amino acid position is highly conserved in available vertebrate species. In addition, this alteration is predicted to be deleterious by in silico analysis. Since supporting evidence is limited at this time, the clinical significance of this alteration remains unclear.

CHEO Genetics Diagnostic Laboratory, Children's Hospital of Eastern Ontario
Classification: Uncertain significance for Cardiomyopathy. Last evaluated: 2020-03-25. Review status: criteria provided, single submitter. Criteria: ACMG Guidelines, 2015. Collection method: clinical testing. Allele origin: germline.

Laboratory for Molecular Medicine, Mass General Brigham Personalized Medicine
Classification: Likely pathogenic for Hypertrophic cardiomyopathy. Last evaluated: 2019-04-01. Review status: criteria provided, single submitter. Criteria: LMM Criteria. Collection method: clinical testing. Allele origin: germline. Observed: 6 variant alleles.
Comment: The p.Tyr1375Cys variant in MYH7 has been identified in 3 individuals with hypertrophic cardiomyopathy (HCM) and segregated with disease in 5 affected relatives from 1 family (Burns 2017, Walsh 2017, LMM data). It was also reported in ClinVar (Variation ID 164293) and was absent from large population studies. Computational prediction tools and conservation analysis suggest that the p.Tyr1375Cys variant may impact the protein, though this information is not predictive enough to determine pathogenicity. In summary, although additional studies are required to fully establish its clinical significance, this variant meets criteria to be classified as likely pathogenic for autosomal dominant HCM. ACMG/AMP Criteria applied: PS4_Supporting, PM2, PP1_Moderate, PP3.

Agnes Ginges Centre for Molecular Cardiology, Centenary Institute
Classification: Likely pathogenic for Hypertrophic cardiomyopathy 1. Last evaluated: 2019-01-22. Review status: criteria provided, single submitter. Criteria: ACMG Guidelines, 2015. Collection method: research. Allele origin: germline. Inheritance: Autosomal dominant inheritance. Affected: yes.
Comment: The MYH7 Tyr1375Cys variant is absent from the large Genome Aggregation Database. Computational tools Mutation taster, SIFT, Polyphen-2 and PolyPhen-HCM are all supportive of a deleterious role. This variant has been previously identified in several HCM probands (Alfares AA, et al., 2015; Genetics Diagnostic Laboratory, Children's Hospital of Eastern Ontario, Pers. Comm.; Walsh R, et al., 2017) and was found to segregate in 4 affected family members in one family (LMM, Pers. Comm.). Interestingly, a different rare variant at this position (Tyr1375His) has also been reported in HCM individuals, suggesting that an amino acid substitution at this site may not be tolerated. Based on the adapted ACMG guidelines (Kelly MA, et al., 2018) this variant is, rare in the general population (PM2), segregates in at least 2 families (PP1_Moderate), has been identified in multiple cases (PS4_supporting) and in silico tools predict it to deleterious (PP3), therefore we classify MYH7 Tyr1375Cys as 'likely pathogenic'.

Literature cited by the submitters: PubMed 28771489 (cited by 3billion and Ambry Genetics); PubMed 27247418 (cited by 3billion and Labcorp Genetics (formerly Invitae), Labcorp); PubMed 25611685 (cited by 5 submitters); PubMed 27532257 (cited by 4 submitters); PubMed 28790153 (cited by 3 submitters); PubMed 32894683 (cited by Labcorp Genetics (formerly Invitae), Labcorp and Ambry Genetics); PubMed 33407484 (cited by Labcorp Genetics (formerly Invitae), Labcorp); PubMed 28408708 (cited by Ambry Genetics and Agnes Ginges Centre for Molecular Cardiology, Centenary Institute); PubMed 30297972 (cited by Ambry Genetics); PubMed 31941943 (cited by Ambry Genetics).

NM_000257.4(MYH7):c.4124A>G (p.Tyr1375Cys)

Gene: MYH7 (myosin heavy chain 7; minus strand). Cytogenetic location: 14q11.2.
Variant type: single nucleotide variant.
Coding change: c.4124A>G on transcript NM_000257.4 (MANE Select); coding-DNA position 4124, A replaced by G.
Protein change: p.Tyr1375Cys; replaces tyrosine 1375 with cysteine.
Molecular consequence: missense variant.
Genome position (GRCh38, 1-based): chr14:23,418,255, T>C on the plus strand (A>G on the coding strand, the complement: MYH7 is on the minus strand). VCF-style: chr14-23418255-T-C. GRCh37 (hg19) VCF-style: chr14-23887464-T-C.
Other names: short protein forms Y1375C.
Identifiers: ClinVar variation 164293 (VCV000164293.23), dbSNP rs727503245, ClinGen allele CA014482.